The following is an entry in ClinVar:

NM_003673.4(TCAP):c.175G>A (p.Val59Met)

Gene: TCAP (titin-cap; plus strand). Cytogenetic location: 17q12.
Variant type: single nucleotide variant.
Coding change: c.175G>A on transcript NM_003673.4 (MANE Select); coding-DNA position 175, G replaced by A.
Protein change: p.Val59Met; replaces valine 59 with methionine.
Molecular consequence: missense variant.
Genome position (GRCh38, 1-based): chr17:39,665,780, G>A. VCF-style: chr17-39665780-G-A. GRCh37 (hg19) VCF-style: chr17-37822033-G-A.
Other names: short protein forms V59M.
Identifiers: ClinVar variation 424154 (VCV000424154.11), dbSNP rs1064796829, ClinGen allele CA16620401.

ClinVar aggregate classification (germline): Uncertain significance. Review status: criteria provided, multiple submitters, no conflicts (2 of 4 stars). 2 submissions from 2 submitters: Uncertain significance (2). Last evaluated 2025-04-17.

Conditions:
Primary familial hypertrophic cardiomyopathy (HCM). Identifiers: Orphanet 99739, MedGen C0949658, MeSH D024741, MONDO:0024573. Inheritance: Various modes of inheritance.
Hypertrophic cardiomyopathy 25 (CMH25). Also called: CARDIOMYOPATHY, FAMILIAL HYPERTROPHIC, 25. Identifiers: MedGen C4225408, MONDO:0011843, OMIM 607487.

Allele frequency attached by ClinVar (database versions not stated): gnomAD exomes below 0.00001; gnomAD 0.00001.

Submissions (2):

Labcorp Genetics (formerly Invitae), Labcorp
Classification: Uncertain significance for Hypertrophic cardiomyopathy 25; Primary familial hypertrophic cardiomyopathy. Last evaluated: 2025-04-17. Review status: criteria provided, single submitter. Criteria: Invitae Variant Classification Sherloc (09022015). Collection method: clinical testing. Allele origin: germline.
Comment: This sequence change replaces valine, which is neutral and non-polar, with methionine, which is neutral and non-polar, at codon 59 of the TCAP protein (p.Val59Met). The frequency data for this variant in the population databases is considered unreliable, as metrics indicate poor data quality at this position in the gnomAD database. This variant has not been reported in the literature in individuals affected with TCAP-related conditions. ClinVar contains an entry for this variant (Variation ID: 424154). An algorithm developed to predict the effect of missense changes on protein structure and function (PolyPhen-2) suggests that this variant is likely to be tolerated. In summary, the available evidence is currently insufficient to determine the role of this variant in disease. Therefore, it has been classified as a Variant of Uncertain Significance.

GeneDx
Classification: Uncertain significance. Last evaluated: 2017-03-09. Review status: criteria provided, single submitter. Criteria: GeneDx Variant Classification (06012015). Collection method: clinical testing. Allele origin: germline. Affected: yes.
Comment: A variant of uncertain significance has been identified in the TCAP gene. The V59M variant has not been published as pathogenic or been reported as benign to our knowledge. Additionally, this variant is not observed in large population cohorts (Lek et al., 2016; 1000 Genomes Consortium et al., 2015; Exome Variant Server). The V59M variant is a conservative amino acid substitution, which is not likely to impact secondary protein structure as these residues share similar properties. Additionally, this substitution occurs at a position that is not conserved across species. Nevertheless, in silico analysis is inconsistent in its predictions as to whether or not the variant is damaging to the protein structure/function.